The following is an entry in ClinVar:

NM_152383.5(DIS3L2):c.867T>A (p.Phe289Leu)

Gene: DIS3L2 (DIS3 like 3'-5' exoribonuclease 2; plus strand). Cytogenetic location: 2q37.1.
Variant type: single nucleotide variant.
Coding change: c.867T>A on transcript NM_152383.5 (MANE Select); coding-DNA position 867, T replaced by A.
Protein change: p.Phe289Leu; replaces phenylalanine 289 with leucine.
Molecular consequence: missense variant. On other transcripts: non-coding transcript variant (1).
Genome position (GRCh38, 1-based): chr2:232,136,636, T>A. VCF-style: chr2-232136636-T-A. GRCh37 (hg19) VCF-style: chr2-233001346-T-A.
Other names: c.867T>A, p.Phe289Leu (NM_001257281.2); short protein forms F289L.
Identifiers: ClinVar variation 1359731 (VCV001359731.8), dbSNP rs1698366025, ClinGen allele CA351153767.

ClinVar aggregate classification (germline): Uncertain significance (1 of 4 stars; one submission).

Conditions:
Perlman syndrome (PRLMNS). Identifiers: Orphanet 2849, MedGen C0796113, MONDO:0009965, OMIM 267000.

Submission:

Labcorp Genetics (formerly Invitae), Labcorp
Classification: Uncertain significance for Perlman syndrome. Last evaluated: 2022-07-14. Review status: criteria provided, single submitter. Criteria: Invitae Variant Classification Sherloc (09022015). Collection method: clinical testing. Allele origin: germline.
Comment: This sequence change replaces phenylalanine, which is neutral and non-polar, with leucine, which is neutral and non-polar, at codon 289 of the DIS3L2 protein (p.Phe289Leu). This variant is not present in population databases (gnomAD no frequency). This variant has not been reported in the literature in individuals affected with DIS3L2-related conditions. ClinVar contains an entry for this variant (Variation ID: 1359731). Algorithms developed to predict the effect of missense changes on protein structure and function output the following: SIFT: "Tolerated"; PolyPhen-2: "Benign"; Align-GVGD: "Class C0". The leucine amino acid residue is found in multiple mammalian species, which suggests that this missense change does not adversely affect protein function. In summary, the available evidence is currently insufficient to determine the role of this variant in disease. Therefore, it has been classified as a Variant of Uncertain Significance.